The following is an entry in ClinVar:

NM_000263.4(NAGLU):c.933C>G (p.Ala311=)

Gene: NAGLU (N-acetyl-alpha-glucosaminidase; plus strand). Cytogenetic location: 17q21.2.
Variant type: single nucleotide variant.
Coding change: c.933C>G on transcript NM_000263.4 (MANE Select); coding-DNA position 933, C replaced by G.
Protein change: p.Ala311=; no amino-acid change (alanine 311 retained).
Molecular consequence: synonymous variant.
Genome position (GRCh38, 1-based): chr17:42,541,118, C>G. VCF-style: chr17-42541118-C-G. GRCh37 (hg19) VCF-style: chr17-40693136-C-G.
Other names: p.Ala311=.
Identifiers: ClinVar variation 92697 (VCV000092697.52), dbSNP rs115888189, ClinGen allele CA145933.

ClinVar aggregate classification (germline): Conflicting classifications of pathogenicity. Review status: criteria provided, conflicting classifications (1 of 4 stars). 9 submissions from 9 submitters: Uncertain significance (1); Benign (2); Likely benign (3). 3 of the submissions do not count toward it. Last evaluated 2026-02-02.

Conditions:
Charcot-Marie-Tooth disease axonal type 2V. Also called: CHARCOT-MARIE-TOOTH NEUROPATHY, TYPE 2V; CHARCOT-MARIE-TOOTH DISEASE, AXONAL, AUTOSOMAL DOMINANT, TYPE 2V. Identifiers: Orphanet 447964, MedGen C5569050, MONDO:0014665, OMIM 616491.
Mucopolysaccharidosis, MPS-III-B (MPS3B). Also called: N-ACETYL-ALPHA-D-GLUCOSAMINIDASE DEFICIENCY; NAGLU DEFICIENCY; SANFILIPPO SYNDROME B; MPS IIIB (Sanfilippo Syndrome Type B); MUCOPOLYSACCHARIDOSIS, TYPE IIIB; Mucopolysaccharidosis type IIIB (Sanfilippo B). Identifiers: Orphanet 79270, MedGen C0086648, MONDO:0009656, OMIM 252920.

Allele frequency attached by ClinVar (database versions not stated): 1000 Genomes Project 30x 0.00031; 1000 Genomes Project 0.00040; ESP Exome Variant Server 0.00077; TOPMed 0.00077.
gnomAD v4.1: 1,154 of 1,613,992 alleles (0.071%); highest among the groups gnomAD compares: Middle Eastern, 1.3%; 1 homozygote.

Submissions (9):

Labcorp Genetics (formerly Invitae), Labcorp
Classification: Benign for Charcot-Marie-Tooth disease axonal type 2V; Mucopolysaccharidosis, MPS-III-B. Last evaluated: 2026-02-02. Review status: criteria provided, single submitter. Criteria: Invitae Variant Classification Sherloc (09022015). Collection method: clinical testing. Allele origin: germline.

Mayo Clinic Laboratories, Mayo Clinic
Classification: Likely benign. Last evaluated: 2025-09-02. Review status: criteria provided, single submitter. Criteria: ACMG Guidelines, 2015. Collection method: clinical testing. Allele origin: germline. Observed: 5 variant alleles.
Comment: BS1, BP4, BP7

Blueprint Genetics
Classification: Likely benign. Last evaluated: 2024-11-05. Review status: criteria provided, single submitter. Criteria: ACMG Guidelines, 2015. Collection method: clinical testing. Allele origin: germline.

CeGaT Center for Human Genetics Tuebingen
Classification: Likely benign. Last evaluated: 2023-01-01. Review status: criteria provided, single submitter. Criteria: CeGaT Center For Human Genetics Tuebingen Variant Classification Criteria Version 2. Collection method: clinical testing. Allele origin: germline. Affected: yes. Observed: 2 variant alleles.
Comment: NAGLU: BP4, BP7

Illumina Laboratory Services, Illumina
Classification: Uncertain significance for Mucopolysaccharidosis, MPS-III-B. Last evaluated: 2018-01-13. Review status: criteria provided, single submitter. Criteria: ICSL Variant Classification Criteria 13 December 2019. Collection method: clinical testing. Allele origin: germline.

Eurofins Ntd Llc (ga)
Classification: Benign. Last evaluated: 2013-02-22. Review status: criteria provided, single submitter. Criteria: EGL Classification Definitions 2015. Collection method: clinical testing. Allele origin: germline. Observed: 4 variant alleles, 1 heterozygote, 3 homozygotes.

Natera, Inc.
Classification: Likely benign for Mucopolysaccharidosis type IIIB. Last evaluated: 2019-12-05. Review status: no assertion criteria provided. Collection method: clinical testing. Allele origin: germline. Not counted in ClinVar's aggregate classification.

Clinical Genetics DNA and cytogenetics Diagnostics Lab, Erasmus MC, Erasmus Medical Center
Classification: Likely benign. Review status: no assertion criteria provided. Collection method: clinical testing. Allele origin: germline. Affected: yes. Study: VKGL Data-share Consensus. Not counted in ClinVar's aggregate classification.

Clinical Genetics, Academic Medical Center
Classification: Likely benign. Review status: no assertion criteria provided. Collection method: clinical testing. Allele origin: germline. Affected: yes. Study: VKGL Data-share Consensus. Not counted in ClinVar's aggregate classification.